The following is an entry in ClinVar:

NM_000492.4(CFTR):c.2620-6T>C

Gene: CFTR (CF transmembrane conductance regulator; plus strand). Cytogenetic location: 7q31.2.
Variant type: single nucleotide variant.
Coding change: c.2620-6T>C on transcript NM_000492.4 (MANE Select); 6 bases into the intron before coding-DNA position 2620, T replaced by C.
Molecular consequence: intron variant.
Genome position (GRCh38, 1-based): chr7:117,602,820, T>C. VCF-style: chr7-117602820-T-C. GRCh37 (hg19) VCF-style: chr7-117242874-T-C.
Other names: p.?.
Identifiers: ClinVar variation 53530 (VCV000053530.69), dbSNP rs371315682, ClinGen allele CA326870.

ClinVar aggregate classification (germline): Conflicting classifications of pathogenicity. Review status: criteria provided, conflicting classifications (1 of 4 stars). 14 submissions from 13 submitters: Uncertain significance (5); Benign (2); Likely benign (4). 3 of the submissions do not count toward it. Last evaluated 2026-05-29.

Conditions:
CFTR-related disorder (CFTR-RD). Also called: CFTR-related disorders; CFTR-related condition. Identifiers: MedGen C5924204, MONDO:7770004.
Congenital bilateral aplasia of vas deferens from CFTR mutation (CBAVD). Identifiers: Orphanet 48, MedGen C0403814, MONDO:0010178, OMIM 277180. Disease mechanism: loss of function.
Cystic fibrosis (CF). Also called: MUCOVISCIDOSIS. Identifiers: Orphanet 586, MedGen C0010674, MONDO:0009061, OMIM 219700. Disease mechanism: loss of function.

Allele frequency attached by ClinVar (database versions not stated): ExAC 0.00057; ESP Exome Variant Server 0.00008; TOPMed 0.00014; gnomAD exomes 0.00030 and 0.00054; gnomAD 0.00037 and 0.00038.
gnomAD v4.1: 479 of 1,613,634 alleles (0.03%); highest among the groups gnomAD compares: Non-Finnish European, 0.021%; no homozygotes.

Submissions (14):

Women's Health and Genetics/Laboratory Corporation of America, LabCorp
Classification: Likely benign. Last evaluated: 2026-05-29. Review status: criteria provided, single submitter. Criteria: LabCorp Variant Classification Summary - May 2015. Collection method: clinical testing. Allele origin: germline.
Comment: Variant summary: CFTR c.2620-6T>C alters a conserved nucleotide located at a position not widely known to affect splicing. Consensus agreement among computation tools predict no significant impact on normal splicing. These predictions are corroborated by experimental evidence in a minigene assay, in which the variant was reported to have no impact on splicing (e.g. Leman_2018). The variant allele was found at a frequency of 0.00054 in 251668 control chromosomes. This frequency is not significantly higher than estimated for disease-causing variants in CFTR, allowing no conclusion about variant significance. To our knowledge, no experimental evidence demonstrating an impact on protein function has been reported. The following publications have been ascertained in the context of this evaluation (PMID: 26847993, 29750258, 17890437, 15858154, 28163942, 32126153, 23503723, 40218996). ClinVar contains an entry for this variant (Variation ID: 53530). Based on the evidence outlined above, the variant was classified as likely benign.

Ambry Genetics
Classification: Uncertain significance for Cystic fibrosis. Last evaluated: 2026-02-23. Review status: criteria provided, single submitter. Criteria: Ambry Variant Classification Scheme 2023. Collection method: clinical testing. Allele origin: germline.
Comment: The c.2620-6T>C intronic variant results (also known as 2752-6T>C) from a T to C substitution 6 nucleotides upstream from coding exon 16 in the CFTR gene. This variant was identified in a cohort of Hispanic individuals with clinical symptoms of cystic fibrosis; however, complete genotype and phenotype information was not provided (Schrijver I et al. J Mol Diagn, 2005 May;7:289-99). This nucleotide position is highly conserved in available vertebrate species. Using the BDGP and ESEfinder splice site prediction tools, this alteration is not predicted to have any significant effect on this splice acceptor site; however, direct evidence is unavailable. Based on available evidence to date, the clinical significance of this alteration remains unclear.

Labcorp Genetics (formerly Invitae), Labcorp
Classification: Benign for Cystic fibrosis. Last evaluated: 2026-01-27. Review status: criteria provided, single submitter. Criteria: Invitae Variant Classification Sherloc (09022015). Collection method: clinical testing. Allele origin: germline.

Mayo Clinic Laboratories, Mayo Clinic
Classification: Likely benign. Last evaluated: 2025-08-13. Review status: criteria provided, single submitter. Criteria: ACMG Guidelines, 2015. Collection method: clinical testing. Allele origin: germline. Observed: 5 variant alleles.
Comment: BP4, BP7

Blueprint Genetics
Classification: Uncertain significance. Last evaluated: 2024-11-21. Review status: criteria provided, single submitter. Criteria: ACMG Guidelines, 2015. Collection method: clinical testing. Allele origin: germline.

Genome-Nilou Lab
Classification: Likely benign for Cystic fibrosis. Last evaluated: 2021-07-22. Review status: criteria provided, single submitter. Criteria: ACMG Guidelines, 2015. Collection method: clinical testing. Allele origin: germline. Affected: no.

Genome-Nilou Lab
Classification: Uncertain significance for Congenital bilateral aplasia of vas deferens from CFTR mutation. Last evaluated: 2021-07-22. Review status: criteria provided, single submitter. Criteria: ACMG Guidelines, 2015. Collection method: clinical testing. Allele origin: germline. Affected: no.

CFTR-France
Classification: Benign for Cystic fibrosis. Last evaluated: 2021-01-11. Review status: criteria provided, single submitter. Criteria: Claustres M et al. (Hum Mutat 2017). Collection method: curation. Allele origin: germline. Affected: no.
Comment: the variant does not result in CFTR-RD neither

Mendelics
Classification: Likely benign for Cystic fibrosis. Last evaluated: 2019-05-28. Review status: criteria provided, single submitter. Criteria: Mendelics Assertion Criteria 2017. Collection method: clinical testing. Allele origin: unknown.

CeGaT Center for Human Genetics Tuebingen
Classification: Uncertain significance. Last evaluated: 2018-03-01. Review status: criteria provided, single submitter. Criteria: CeGaT Center For Human Genetics Tuebingen Variant Classification Criteria Version 2. Collection method: clinical testing. Allele origin: germline. Affected: yes. Observed: 1 variant allele.

Eurofins Ntd Llc (ga)
Classification: Uncertain significance. Last evaluated: 2016-06-09. Review status: criteria provided, single submitter. Criteria: EGL Classification Definitions 2015. Collection method: clinical testing. Allele origin: germline. Observed: 2 variant alleles, 2 heterozygotes.

PreventionGenetics, part of Exact Sciences
Classification: Likely benign for CFTR-related condition. Last evaluated: 2023-06-28. Review status: no assertion criteria provided. Collection method: clinical testing. Allele origin: germline. Not counted in ClinVar's aggregate classification.
Comment: This variant is classified as likely benign based on ACMG/AMP sequence variant interpretation guidelines (Richards et al. 2015 PMID: 25741868, with internal and published modifications).

Clinical Genetics DNA and cytogenetics Diagnostics Lab, Erasmus MC, Erasmus Medical Center
Classification: Likely benign. Review status: no assertion criteria provided. Collection method: clinical testing. Allele origin: germline. Affected: yes. Study: VKGL Data-share Consensus. Not counted in ClinVar's aggregate classification.

Diagnostic Laboratory, Department of Genetics, University Medical Center Groningen
Classification: Likely benign. Review status: no assertion criteria provided. Collection method: clinical testing. Allele origin: germline. Affected: yes. Study: VKGL Data-share Consensus. Not counted in ClinVar's aggregate classification.

Literature cited by the submitters: PubMed 15858154 (cited by Women's Health and Genetics/Laboratory Corporation of America, LabCorp and Ambry Genetics); PubMed 17890437 (cited by Women's Health and Genetics/Laboratory Corporation of America, LabCorp and Ambry Genetics); PubMed 23503723 (cited by Women's Health and Genetics/Laboratory Corporation of America, LabCorp); PubMed 26847993 (cited by Women's Health and Genetics/Laboratory Corporation of America, LabCorp and Ambry Genetics); PubMed 28163942 (cited by Women's Health and Genetics/Laboratory Corporation of America, LabCorp and Ambry Genetics); PubMed 29750258 (cited by Women's Health and Genetics/Laboratory Corporation of America, LabCorp); PubMed 32126153 (cited by Women's Health and Genetics/Laboratory Corporation of America, LabCorp); PubMed 40218996 (cited by Women's Health and Genetics/Laboratory Corporation of America, LabCorp); PubMed 34479733 (cited by Mayo Clinic Laboratories, Mayo Clinic).